The following is an entry in ClinVar:

ClinVar aggregate classification (germline): Uncertain significance (1 of 4 stars; one submission).

Allele frequency attached by ClinVar (database versions not stated): ExAC 0.00001; gnomAD 0.00001; gnomAD exomes 0.00001; TOPMed 0.00001; 1000 Genomes Project 30x 0.00016.

Submission:

Women's Health and Genetics/Laboratory Corporation of America, LabCorp
Classification: Uncertain significance. Last evaluated: 2021-10-22. Review status: criteria provided, single submitter. Criteria: LabCorp Variant Classification Summary - May 2015. Collection method: clinical testing. Allele origin: germline.
Comment: Variant summary: USH1G c.1339C>T (p.Arg447Trp) results in a non-conservative amino acid change located in the Sterile alpha motif domain (IPR001660) of the encoded protein sequence. Four of five in-silico tools predict a damaging effect of the variant on protein function. The variant allele was found at a frequency of 1.2e-05 in 242496 control chromosomes (gnomAD). The available data on variant occurrences in the general population are insufficient to allow any conclusion about variant significance. c.1339C>T has been reported in the literature in an individual with no other variants identified, who was affected with Usher Syndrome (Lenarduzzi_2015). This report does not provide unequivocal conclusions about association of the variant with Usher Syndrome. To our knowledge, no experimental evidence demonstrating an impact on protein function has been reported. No clinical diagnostic laboratories have submitted clinical-significance assessments for this variant to ClinVar after 2014. Based on the evidence outlined above, the variant was classified as uncertain significance.

Literature cited by the submitters: PubMed 25575603.

NM_173477.5(USH1G):c.1339C>T (p.Arg447Trp)

Gene: USH1G (USH1 protein network component sans; minus strand). Cytogenetic location: 17q25.1.
Variant type: single nucleotide variant.
Coding change: c.1339C>T on transcript NM_173477.5 (MANE Select); coding-DNA position 1339, C replaced by T.
Protein change: p.Arg447Trp; replaces arginine 447 with tryptophan.
Molecular consequence: missense variant.
Genome position (GRCh38, 1-based): chr17:74,919,497, G>A on the plus strand (C>T on the coding strand, the complement: USH1G is on the minus strand). VCF-style: chr17-74919497-G-A. GRCh37 (hg19) VCF-style: chr17-72915592-G-A.
Other names: c.1030C>T, p.Arg344Trp (NM_001282489.3); short protein forms R344W, R447W.
Identifiers: ClinVar variation 1321410 (VCV001321410.1), dbSNP rs773872479, ClinGen allele CA8753883.